The following is an entry in ClinVar:

NM_005334.3(HCFC1):c.3585G>A (p.Pro1195=)

Gene: HCFC1 (host cell factor C1; minus strand). Cytogenetic location: Xq28.
Variant type: single nucleotide variant.
Coding change: c.3585G>A on transcript NM_005334.3 (MANE Select); coding-DNA position 3585, G replaced by A.
Protein change: p.Pro1195=; no amino-acid change (proline 1195 retained).
Molecular consequence: synonymous variant.
Genome position (GRCh38, 1-based): chrX:153,954,814, C>T on the plus strand (G>A on the coding strand, the complement: HCFC1 is on the minus strand). VCF-style: chrX-153954814-C-T. GRCh37 (hg19) VCF-style: chrX-153220265-C-T.
Identifiers: ClinVar variation 512465 (VCV000512465.5), dbSNP rs1204221011, ClinGen allele CA519701980.

ClinVar aggregate classification (germline): Likely benign. Review status: criteria provided, multiple submitters, no conflicts (2 of 4 stars). 3 submissions from 3 submitters: Likely benign (3). Last evaluated 2026-01-09.

Conditions:
Methylmalonic acidemia with homocystinuria, type cblX (MAHCX). Also called: INTELLECTUAL DEVELOPMENTAL DISORDER, X-LINKED 3. Identifiers: Orphanet 369962, MedGen C0796208, MONDO:0010657, OMIM 309541.

Allele frequency attached by ClinVar (database versions not stated): gnomAD 0.00001; gnomAD exomes 0.00001 and 0.00002; TOPMed 0.00003.

Submissions (3):

Labcorp Genetics (formerly Invitae), Labcorp
Classification: Likely benign for Methylmalonic acidemia with homocystinuria, type cblX. Last evaluated: 2026-01-09. Review status: criteria provided, single submitter. Criteria: Invitae Variant Classification Sherloc (09022015). Collection method: clinical testing. Allele origin: germline.

Blueprint Genetics
Classification: Likely benign. Last evaluated: 2024-11-04. Review status: criteria provided, single submitter. Criteria: ACMG Guidelines, 2015. Collection method: clinical testing. Allele origin: germline.

GeneDx
Classification: Likely benign. Last evaluated: 2017-10-13. Review status: criteria provided, single submitter. Criteria: GeneDx Variant Classification (06012015). Collection method: clinical testing. Allele origin: germline. Affected: yes.
Comment: This variant is considered likely benign or benign based on one or more of the following criteria: it is a conservative change, it occurs at a poorly conserved position in the protein, it is predicted to be benign by multiple in silico algorithms, and/or has population frequency not consistent with disease.